The following is an entry in ClinVar:

ClinVar aggregate classification (germline): Uncertain significance (1 of 4 stars; one submission).

Conditions:
Hereditary cancer-predisposing syndrome. Also called: Tumor predisposition; Hereditary neoplastic syndrome; Hereditary Cancer Syndrome; Neoplastic Syndromes, Hereditary. Identifiers: Orphanet 140162, MedGen C0027672, MeSH D009386, MONDO:0015356.

Submission:

Ambry Genetics
Classification: Uncertain significance for Hereditary cancer-predisposing syndrome. Last evaluated: 2025-04-18. Review status: criteria provided, single submitter. Criteria: Ambry Variant Classification Scheme 2023. Collection method: clinical testing. Allele origin: germline.
Comment: The c.1898G>T variant (also known as p.C633F), located in coding exon 11 of the ATM gene, results from a G to T substitution at nucleotide position 1898. The cysteine at codon 633 is replaced by phenylalanine, an amino acid with highly dissimilar properties. However, this change occurs in the last base pair of coding exon 11, which makes it likely to have some effect on normal mRNA splicing. This nucleotide position is highly conserved in available vertebrate species. This amino acid position is highly conserved in available vertebrate species. In silico splice site analysis predicts that this alteration may weaken the native splice donor site. In addition, as a missense substitution this is predicted to be inconclusive by in silico analysis. Based on the available evidence, the clinical significance of this variant remains unclear.

NM_000051.4(ATM):c.1898G>T (p.Cys633Phe)

Gene: ATM (ATM serine/threonine kinase; plus strand). Cytogenetic location: 11q22.3.
Variant type: single nucleotide variant.
Coding change: c.1898G>T on transcript NM_000051.4 (MANE Select); coding-DNA position 1898, G replaced by T.
Protein change: p.Cys633Phe; replaces cysteine 633 with phenylalanine.
Molecular consequence: missense variant.
Genome position (GRCh38, 1-based): chr11:108,252,912, G>T. VCF-style: chr11-108252912-G-T. GRCh37 (hg19) VCF-style: chr11-108123639-G-T.
Other names: c.1898G>T, p.Cys633Phe (NM_001351834.2); short protein forms C633F.
Identifiers: ClinVar variation 3966285 (VCV003966285.1).
Genomic context (GRCh38, chr11:108,252,912, plus strand): 5'-TGAGTCTCACTATGAAAAACTGTAAAGCTGCAATGAATTTTTTCCAAAGCGTGCCAGAAT[G>T]GTATGTTATCTAATAATGCTCTTTATCATTTTAAGCTATAGCTTTAATTACAAAGATGAT-3'
Protein context (NP_000042.3, residues 623-643): AMNFFQSVPE[Cys633Phe]EHHQKDKEEL